The following is an entry in ClinVar:

ClinVar aggregate classification (germline): Conflicting classifications of pathogenicity. Review status: criteria provided, conflicting classifications (1 of 4 stars). 5 submissions from 5 submitters: Pathogenic (1); Likely pathogenic (2); Uncertain significance (1). 1 of the submissions does not count toward it. Last evaluated 2025-08-10.

Conditions:
Cone-rod dystrophy 20 (CORD20). Identifiers: Orphanet 1872, MedGen C4014856, MONDO:0014427, OMIM 615973.
POC1B-related disorder. Also called: POC1B-related condition.

gnomAD v4.1: 9 of 1,597,562 alleles (0.00056%); highest among the groups gnomAD compares: East Asian, 0.013%; no homozygotes.

Submissions (5):

Labcorp Genetics (formerly Invitae), Labcorp
Classification: Likely pathogenic. Last evaluated: 2025-08-10. Review status: criteria provided, single submitter. Criteria: Invitae Variant Classification Sherloc (09022015). Collection method: clinical testing. Allele origin: germline.
Comment: This sequence change creates a premature translational stop signal (p.Arg452*) in the POC1B gene. While this is not anticipated to result in nonsense mediated decay, it is expected to disrupt the last 27 amino acid(s) of the POC1B protein. This variant is present in population databases (rs771374522, gnomAD 0.03%). This premature translational stop signal has been observed in individuals with clinical features of cone-rod dystrophy (PMID: 29377742, 33691693, 37227616). ClinVar contains an entry for this variant (Variation ID: 3775701). Algorithms developed to predict the effect of sequence changes on RNA splicing suggest that this variant may disrupt the consensus splice site. This variant disrupts a region of the POC1B protein in which other variant(s) (p.Arg452Gln) have been observed in individuals with POC1B-related conditions (PMID: 31390656, 33657974). This suggests that this is a clinically significant region of the protein, and that variants that disrupt it are likely to be disease-causing. In summary, the currently available evidence indicates that the variant is pathogenic, but additional data are needed to prove that conclusively. Therefore, this variant has been classified as Likely Pathogenic.

First Genomix Gene Laboratory, Genetic Diagnostics Department
Classification: Likely pathogenic for Cone-rod dystrophy 20. Last evaluated: 2025-05-29. Review status: criteria provided, single submitter. Criteria: ACMG Guidelines, 2015. Collection method: clinical testing. Allele origin: germline. Inheritance: Autosomal recessive inheritance. Affected: no. Observed: 1 variant allele.

3billion
Classification: Uncertain significance for Cone-rod dystrophy 20. Last evaluated: 2024-11-02. Review status: criteria provided, single submitter. Criteria: ACMG Guidelines, 2015. Collection method: clinical testing. Allele origin: germline. Affected: yes.
Comment: The variant is observed at an extremely low frequency in the gnomAD v4.1.0 dataset (total allele frequency: <0.001%). Predicted Consequence/Location: Stop-gained (nonsense): predicted to result in a loss or disruption of normal protein function through protein truncation. The predicted truncated protein may be shortened by less than 10%. The variant has been reported to be associated with POC1B related disorder (PMID: 29377742). However, the evidence of pathogenicity is insufficient at this time. Therefore, this variant is classified as VUS (PVS1_M, PM2_M, PP5_P) according to the recommendation of ACMG/AMP guideline.

Blueprint Genetics
Classification: Pathogenic for POC1B-related disorders. Last evaluated: 2024-06-07. Review status: criteria provided, single submitter. Criteria: ACMG Guidelines, 2015. Collection method: clinical testing. Allele origin: germline. Affected: yes. Observed: 3 variant alleles.

OMIM
Classification: Pathogenic for CONE-ROD DYSTROPHY 20. Last evaluated: 2026-06-02. Review status: no assertion criteria provided. Collection method: literature only. Allele origin: germline. Not counted in ClinVar's aggregate classification.

Literature cited by the submitters: PubMed 29377742 (cited by Labcorp Genetics (formerly Invitae), Labcorp and 3billion); PubMed 33691693 (cited by Labcorp Genetics (formerly Invitae), Labcorp); PubMed 37227616 (cited by Labcorp Genetics (formerly Invitae), Labcorp and OMIM); PubMed 31390656 (cited by Labcorp Genetics (formerly Invitae), Labcorp); PubMed 33657974 (cited by Labcorp Genetics (formerly Invitae), Labcorp).

NM_172240.3(POC1B):c.1354C>T (p.Arg452Ter)

Genes: POC1B (POC1 centriolar protein B; minus strand), POC1B-DUSP6 (POC1B-DUSP6 readthrough; minus strand). Cytogenetic location: 12q21.33.
Variant type: single nucleotide variant.
Coding change: c.1354C>T on transcript NM_172240.3 (MANE Select); coding-DNA position 1354, C replaced by T.
Protein change: p.Arg452Ter; replaces arginine 452 with a stop codon.
Molecular consequence: nonsense. On other transcripts: non-coding transcript variant (2), intron variant (3).
Genome position (GRCh38, 1-based): chr12:89,421,236, G>A on the plus strand (C>T on the coding strand, the complement: POC1B is on the minus strand). VCF-style: chr12-89421236-G-A. GRCh37 (hg19) VCF-style: chr12-89815013-G-A.
Other names: POC1B, ARG452TER (rs771374522); c.1228C>T, p.Arg410Ter (NM_001199777.2); c.643-19628C>T (NM_001425773.1); c.1114-19628C>T (NM_001425772.1); c.1114-16891C>T (NM_001425771.1); short protein forms R410*, R452*.
Identifiers: ClinVar variation 3775701 (VCV003775701.6).